The following is an entry in ClinVar:

NM_003718.5(CDK13):c.789_798del (p.Thr264fs)

Gene: CDK13 (cyclin dependent kinase 13; plus strand). Cytogenetic location: 7p14.1.
Variant type: Deletion.
Coding change: c.789_798del on transcript NM_003718.5 (MANE Select); coding-DNA positions 789 to 798, 10 bases deleted (CACATCCAGC; older notation c.789_798delCACATCCAGC).
Protein change: p.Thr264fs; shifts the reading frame from threonine 264.
Molecular consequence: frameshift variant.
Genome position (GRCh38, 1-based): chr7:39,951,430-39,951,439, CACATCCAGC deleted; deleting any 10 consecutive bases within chr7:39,951,428-39,951,439 gives the same sequence; the c. name uses the placement nearest the transcript's 3' end. VCF-style (leftmost placement, unchanged base first): chr7-39951427-GGCCACATCCA-G. GRCh37 (hg19) VCF-style: chr7-39991026-GGCCACATCCA-G.
Other names: c.789_798delCACATCCAGC, p.Thr264Alafs (NM_031267.4); short protein forms T264fs.
Identifiers: ClinVar variation 2573935 (VCV002573935.1), dbSNP rs2483674571, ClinGen allele CA2580615874.
Genomic context (GRCh38, chr7:39,951,427, plus strand): 5'-GGCCGAGGTCGCCAAGAGCGGCAGCAGCAGCAGCAGCGGCGGCCGCCGGAAAAGCGCTTC[GGCCACATCCA>G]GCAGCAGTAGCAGCCGCAAGGACCGGGACTCGAAGGCCCACCGCAGCCGGACTAAGTCGT-3'

ClinVar aggregate classification (germline): Uncertain significance (1 of 4 stars; one submission).

Submission:

GeneDx
Classification: Uncertain significance. Last evaluated: 2023-01-18. Review status: criteria provided, single submitter. Criteria: GeneDx Variant Classification Process June 2021. Collection method: clinical testing. Allele origin: germline. Affected: yes.
Comment: Has not been previously published as pathogenic or benign to our knowledge; Not observed at significant frequency in large population cohorts (gnomAD)